The following is an entry in ClinVar:

ClinVar aggregate classification (germline): Conflicting classifications of pathogenicity. Review status: criteria provided, conflicting classifications (1 of 4 stars). 7 submissions from 7 submitters: Uncertain significance (4); Likely benign (2). 1 of the submissions does not count toward it. Last evaluated 2026-01-26.

Conditions:
SMARCA4-related disorder. Also called: SMARCA4-related condition.
Intellectual disability, autosomal dominant 16 (CSS4). Also called: COFFIN-SIRIS SYNDROME 4. Identifiers: Orphanet 1465, MedGen C3553249, MONDO:0013821, OMIM 614609.
Rhabdoid tumor predisposition syndrome 2 (RTPS2). Identifiers: Orphanet 231108, Orphanet 69077, MedGen C2750074, MONDO:0013224, OMIM 613325.
Hereditary cancer-predisposing syndrome. Also called: Hereditary neoplastic syndrome; Neoplastic Syndromes, Hereditary; Tumor predisposition; Hereditary Cancer Syndrome. Identifiers: Orphanet 140162, MedGen C0027672, MeSH D009386, MONDO:0015356.

Allele frequency attached by ClinVar (database versions not stated): gnomAD below 0.00001 and 0.00004; TOPMed 0.00002; gnomAD exomes 0.00005 and 0.00008; ExAC 0.00011; 1000 Genomes Project 30x 0.00031; 1000 Genomes Project 0.00040.
gnomAD v4.1: 73 of 1,613,988 alleles (0.0045%); highest among the groups gnomAD compares: South Asian, 0.07%; 1 homozygote.

Submissions (7):

Labcorp Genetics (formerly Invitae), Labcorp
Classification: Likely benign for Rhabdoid tumor predisposition syndrome 2. Last evaluated: 2026-01-26. Review status: criteria provided, single submitter. Criteria: Invitae Variant Classification Sherloc (09022015). Collection method: clinical testing. Allele origin: germline.

GeneDx
Classification: Uncertain significance. Last evaluated: 2024-12-27. Review status: criteria provided, single submitter. Criteria: GeneDx Variant Classification Process June 2021. Collection method: clinical testing. Allele origin: germline. Affected: yes.
Comment: In silico analysis indicates that this missense variant does not alter protein structure/function; Observed in a patient with a neurodevelopmental disorder (PMID: 37500730); This variant is associated with the following publications: (PMID: Loncol2024[thesis], 37500730)

Baylor Genetics
Classification: Uncertain significance for Rhabdoid tumor predisposition syndrome 2. Last evaluated: 2023-07-13. Review status: criteria provided, single submitter. Criteria: ACMG Guidelines, 2015. Collection method: clinical testing. Allele origin: unknown.

Ambry Genetics
Classification: Likely benign for Hereditary cancer-predisposing syndrome. Last evaluated: 2022-12-05. Review status: criteria provided, single submitter. Criteria: Ambry Variant Classification Scheme 2023. Collection method: clinical testing. Allele origin: germline.

Genome-Nilou Lab
Classification: Uncertain significance for Intellectual disability, autosomal dominant 16. Last evaluated: 2021-07-15. Review status: criteria provided, single submitter. Criteria: ACMG Guidelines, 2015. Collection method: clinical testing. Allele origin: germline. Affected: no.

Fulgent Genetics
Classification: Uncertain significance for Rhabdoid tumor predisposition syndrome 2; Intellectual disability, autosomal dominant 16. Last evaluated: 2018-10-31. Review status: criteria provided, single submitter. Criteria: ACMG Guidelines, 2015. Collection method: clinical testing. Allele origin: unknown.

PreventionGenetics, part of Exact Sciences
Classification: Likely benign for SMARCA4-related condition. Last evaluated: 2022-12-26. Review status: no assertion criteria provided. Collection method: clinical testing. Allele origin: germline. Not counted in ClinVar's aggregate classification.
Comment: This variant is classified as likely benign based on ACMG/AMP sequence variant interpretation guidelines (Richards et al. 2015 PMID: 25741868, with internal and published modifications).

NM_003072.5(SMARCA4):c.407C>T (p.Ala136Val)

Gene: SMARCA4 (SWI/SNF related BAF chromatin remodeling complex subunit ATPase 4; plus strand). Cytogenetic location: 19p13.2.
Variant type: single nucleotide variant.
Coding change: c.407C>T on transcript NM_003072.5 (MANE Select); coding-DNA position 407, C replaced by T.
Protein change: p.Ala136Val; replaces alanine 136 with valine.
Molecular consequence: missense variant. On other transcripts: non-coding transcript variant (1).
Genome position (GRCh38, 1-based): chr19:10,986,240, C>T. VCF-style: chr19-10986240-C-T. GRCh37 (hg19) VCF-style: chr19-11096916-C-T.
Other names: c.407C>T, p.Ala136Val (NM_001128844.3, NM_001128845.2, NM_001128846.2 and 5 more transcripts); short protein forms A136V.
Identifiers: ClinVar variation 470381 (VCV000470381.21), dbSNP rs535299273, ClinGen allele CA9203500.
Genomic context (GRCh38, chr19:10,986,240, plus strand): 5'-TCTCTGCAGGTTACCCCTCGCCCCTGGGTGGCTCTGAGCATGCCTCTAGTCCAGTTCCAG[C>T]CAGTGGCCCGTCTTCGGGGCCCCAGATGTCTTCCGGGCCAGGAGGTGCCCCGCTGGATGG-3'
Protein context (NP_003063.2, residues 126-146): GSEHASSPVP[Ala136Val]SGPSSGPQMS